The following is an entry in ClinVar:

ClinVar aggregate classification (germline): Uncertain significance. Review status: criteria provided, multiple submitters, no conflicts (2 of 4 stars). 4 submissions from 4 submitters: Uncertain significance (4). Last evaluated 2025-08-11.

Conditions:
Inborn genetic diseases. Identifiers: MedGen C0950123, MeSH D030342.
Fanconi anemia (FA). Also called: Fanconi's anemia. Identifiers: Orphanet 84, MedGen C0015625, MeSH D005199, MONDO:0019391.

gnomAD v4.1: 2 of 1,614,032 alleles (0.00012%); highest among the groups gnomAD compares: Admixed American, 0.0033%; no homozygotes.

Submissions (4):

Quest Diagnostics Nichols Institute San Juan Capistrano
Classification: Uncertain significance. Last evaluated: 2025-08-11. Review status: criteria provided, single submitter. Criteria: Quest Diagnostics criteria. Collection method: clinical testing. Allele origin: unknown.
Comment: The FANCA c.2922C>A (p.Asp974Glu) variant has not been reported in individuals with FANCA-related conditions in the published literature. The frequency of this variant in the general population (Genome Aggregation Database) is uninformative in the assessment of its pathogenicity. Analysis of this variant using bioinformatics tools for the prediction of the effect of amino acid changes on protein structure and function yielded conflicting predictions that this variant is benign or damaging. Based on the available information, we are unable to determine the clinical significance of this variant.

Ambry Genetics
Classification: Uncertain significance for Inborn genetic diseases. Last evaluated: 2024-12-13. Review status: criteria provided, single submitter. Criteria: Ambry Variant Classification Scheme 2023. Collection method: clinical testing. Allele origin: germline.
Comment: The p.D974E variant (also known as c.2922C>A), located in coding exon 30 of the FANCA gene, results from a C to A substitution at nucleotide position 2922. The aspartic acid at codon 974 is replaced by glutamic acid, an amino acid with highly similar properties. This amino acid position is conserved. In addition, this alteration is predicted to be tolerated by in silico analysis. Based on the available evidence, the clinical significance of this variant remains unclear.

Labcorp Genetics (formerly Invitae), Labcorp
Classification: Uncertain significance for Fanconi anemia. Last evaluated: 2022-03-12. Review status: criteria provided, single submitter. Criteria: Invitae Variant Classification Sherloc (09022015). Collection method: clinical testing. Allele origin: germline.
Comment: This sequence change replaces aspartic acid, which is acidic and polar, with glutamic acid, which is acidic and polar, at codon 974 of the FANCA protein (p.Asp974Glu). This variant is present in population databases (no rsID available, gnomAD 0.006%). This variant has not been reported in the literature in individuals affected with FANCA-related conditions. Advanced modeling of protein sequence and biophysical properties (such as structural, functional, and spatial information, amino acid conservation, physicochemical variation, residue mobility, and thermodynamic stability) performed at Invitae indicates that this missense variant is not expected to disrupt FANCA protein function. In summary, the available evidence is currently insufficient to determine the role of this variant in disease. Therefore, it has been classified as a Variant of Uncertain Significance.

Sema4
Classification: Uncertain significance for Fanconi anemia. Last evaluated: 2021-05-19. Review status: criteria provided, single submitter. Criteria: Sema4 Curation Guidelines. Collection method: curation. Allele origin: germline.
Comment: The FANCA c.2922C>A (p.D974E) variant has not been reported in the literature to our knowledge. It was observed in 2/34592 chromosomes of the Latino subpopulation in the large and broad cohorts of the Genome Aggregation Database. The variant has not been reported in ClinVar. In silico tools suggest the impact of the variant on protein function is inconclusive, though these predictions have not been confirmed by functional studies. The evidence is insufficient to meet ACMG/AMP criteria for classifying the variant as benign or pathogenic. Thus, the clinical significance of this variant is currently uncertain.

NM_000135.4(FANCA):c.2922C>A (p.Asp974Glu)

Gene: FANCA (FA complementation group A; minus strand). Cytogenetic location: 16q24.3.
Variant type: single nucleotide variant.
Coding change: c.2922C>A on transcript NM_000135.4 (MANE Select); coding-DNA position 2922, C replaced by A.
Protein change: p.Asp974Glu; replaces aspartic acid 974 with glutamic acid.
Molecular consequence: missense variant.
Genome position (GRCh38, 1-based): chr16:89,758,636, G>T on the plus strand (C>A on the coding strand, the complement: FANCA is on the minus strand). VCF-style: chr16-89758636-G-T. GRCh37 (hg19) VCF-style: chr16-89825044-G-T.
Other names: c.2922C>A (NM_000135.3); c.2922C>A, p.Asp974Glu (NM_001286167.3); short protein forms D974E.
Identifiers: ClinVar variation 1420075 (VCV001420075.6), dbSNP rs756241886, ClinGen allele CA286549171.